The following is an entry in ClinVar:

ClinVar aggregate classification (germline): Uncertain significance (1 of 4 stars; one submission).

Conditions:
Episodic ataxia type 1 (EA1). Also called: ATAXIA, EPISODIC, WITH MYOKYMIA; Episodic ataxia/myokymia syndrome; MYOKYMIA WITH PERIODIC ATAXIA; PAROXYSMAL ATAXIA WITH NEUROMYOTONIA, HEREDITARY. Identifiers: Orphanet 37612, Orphanet 972, MedGen C1719788, MONDO:0008047, OMIM 160120.

Submission:

Labcorp Genetics (formerly Invitae), Labcorp
Classification: Uncertain significance for Episodic ataxia type 1. Last evaluated: 2022-10-07. Review status: criteria provided, single submitter. Criteria: Invitae Variant Classification Sherloc (09022015). Collection method: clinical testing. Allele origin: germline.
Comment: In summary, the available evidence is currently insufficient to determine the role of this variant in disease. Therefore, it has been classified as a Variant of Uncertain Significance. Algorithms developed to predict the effect of missense changes on protein structure and function output the following: SIFT: "Tolerated"; PolyPhen-2: "Benign"; Align-GVGD: "Class C0". The threonine amino acid residue is found in multiple mammalian species, which suggests that this missense change does not adversely affect protein function. This variant has not been reported in the literature in individuals affected with KCNA1-related conditions. This variant is not present in population databases (gnomAD no frequency). This sequence change replaces alanine, which is neutral and non-polar, with threonine, which is neutral and polar, at codon 15 of the KCNA1 protein (p.Ala15Thr).

NM_000217.3(KCNA1):c.43G>A (p.Ala15Thr)

Genes: KCNA1 (potassium voltage-gated channel subfamily A member 1; plus strand), LOC130007218 (ATAC-STARR-seq lymphoblastoid silent region 4155; plus strand). Cytogenetic location: 12p13.32.
Variant type: single nucleotide variant.
Coding change: c.43G>A on transcript NM_000217.3 (MANE Select); coding-DNA position 43, G replaced by A.
Protein change: p.Ala15Thr; replaces alanine 15 with threonine.
Molecular consequence: missense variant.
Genome position (GRCh38, 1-based): chr12:4,911,421, G>A. VCF-style: chr12-4911421-G-A. GRCh37 (hg19) VCF-style: chr12-5020587-G-A.
Other names: short protein forms A15T.
Identifiers: ClinVar variation 1721131 (VCV001721131.6), dbSNP rs777276806, ClinGen allele CA383453672.